The following is an entry in ClinVar:

NM_001353921.2(ARHGEF9):c.1420T>G (p.Ser474Ala)

Gene: ARHGEF9 (Cdc42 guanine nucleotide exchange factor 9; minus strand). Cytogenetic location: Xq11.1.
Variant type: single nucleotide variant.
Coding change: c.1420T>G on transcript NM_001353921.2 (MANE Select); coding-DNA position 1420, T replaced by G.
Protein change: p.Ser474Ala; replaces serine 474 with alanine.
Molecular consequence: missense variant. On other transcripts: 3 prime UTR variant (2).
Genome position (GRCh38, 1-based): chrX:63,638,180, A>C on the plus strand (T>G on the coding strand, the complement: ARHGEF9 is on the minus strand). VCF-style: chrX-63638180-A-C. GRCh37 (hg19) VCF-style: chrX-62858060-A-C.
Other names: c.1240T>G, p.Ser414Ala (NM_001173479.2); c.1093T>G, p.Ser365Ala (NM_001173480.2, NM_001369042.1); c.1336T>G, p.Ser446Ala (NM_001330495.2, NM_001369033.1, NM_001369034.1 and 4 more transcripts); c.1288T>G, p.Ser430Ala (NM_001353922.2); c.1438T>G, p.Ser480Ala (NM_001353923.1); c.1219T>G, p.Ser407Ala (NM_001353924.2, NM_001353926.2, NM_001369039.1 and 1 more transcripts); c.1204T>G, p.Ser402Ala (NM_001353927.2, NM_001369041.1); c.1267T>G, p.Ser423Ala (NM_001353928.2); and 3 more; short protein forms S285A, S365A, S402A, S407A, S414A, S423A, S430A, S446A.
Identifiers: ClinVar variation 2660738 (VCV002660738.24), dbSNP rs1556301359, ClinGen allele CA413401356.

ClinVar aggregate classification (germline): Uncertain significance (1 of 4 stars; one submission).

Submission:

CeGaT Center for Human Genetics Tuebingen
Classification: Uncertain significance. Last evaluated: 2023-09-01. Review status: criteria provided, single submitter. Criteria: CeGaT Center For Human Genetics Tuebingen Variant Classification Criteria Version 2. Collection method: clinical testing. Allele origin: germline. Affected: yes. Observed: 1 variant allele.
Comment: ARHGEF9: PM2